The following is an entry in ClinVar:

ClinVar aggregate classification (germline): Uncertain significance (1 of 4 stars; one submission).

Conditions:
MED12L-related disorder. Also called: MED12L-related condition.

Allele frequency attached by ClinVar (database versions not stated): TOPMed below 0.00001.

Submission:

PreventionGenetics, part of Exact Sciences
Classification: Uncertain significance for MED12L-related condition. Last evaluated: 2023-02-09. Review status: criteria provided, single submitter. Criteria: ACMG Guidelines, 2015. Collection method: clinical testing. Allele origin: germline.
Comment: The MED12L c.5503+1G>T variant is predicted to disrupt the GT donor site and interfere with normal splicing. To our knowledge, this variant has not been reported in the literature or in a large population database, indicating this variant is rare. A limited number of de novo truncating and splicing variants have been reported in individuals with variable neurodevelopmental disorders (Nizon et al. 2019. PubMed ID: 31155615). Although we suspect that this variant may be pathogenic, at this time, the clinical significance of this variant is uncertain due to the absence of conclusive functional and genetic evidence.

NM_001393769.1(MED12L):c.5608+1G>T

Gene: MED12L (mediator complex subunit 12L; plus strand). Cytogenetic location: 3q25.1.
Variant type: single nucleotide variant.
Coding change: c.5608+1G>T on transcript NM_001393769.1 (MANE Select); the canonical splice donor site of the intron after coding-DNA position 5608, G replaced by T.
Molecular consequence: splice donor variant.
Genome position (GRCh38, 1-based): chr3:151,390,136, G>T. VCF-style: chr3-151390136-G-T. GRCh37 (hg19) VCF-style: chr3-151107924-G-T.
Other names: c.5503+1G>T (NM_053002.6).
Identifiers: ClinVar variation 2634410 (VCV002634410.1), dbSNP rs1714002662, ClinGen allele CA354978296.